The following is an entry in ClinVar:

ClinVar aggregate classification (germline): Uncertain significance (1 of 4 stars; one submission).

Conditions:
Norman-Roberts syndrome (LIS2). Also called: Lissencephaly 2 (Norman-Roberts type). Identifiers: Orphanet 89844, MedGen C0796089, MONDO:0009760, OMIM 257320.
Familial temporal lobe epilepsy 7. Identifiers: Orphanet 101046, MedGen C4225327, MONDO:0014639, OMIM 616436.

Allele frequency attached by ClinVar (database versions not stated): TOPMed 0.00002.

Submission:

Labcorp Genetics (formerly Invitae), Labcorp
Classification: Uncertain significance for Familial temporal lobe epilepsy 7; Norman-Roberts syndrome. Last evaluated: 2022-05-25. Review status: criteria provided, single submitter. Criteria: Invitae Variant Classification Sherloc (09022015). Collection method: clinical testing. Allele origin: germline.
Comment: This variant has not been reported in the literature in individuals affected with RELN-related conditions. This variant is not present in population databases (gnomAD no frequency). This sequence change replaces isoleucine, which is neutral and non-polar, with threonine, which is neutral and polar, at codon 78 of the RELN protein (p.Ile78Thr). Algorithms developed to predict the effect of missense changes on protein structure and function are either unavailable or do not agree on the potential impact of this missense change (SIFT: "Deleterious"; PolyPhen-2: "Benign"; Align-GVGD: "Class C0"). In summary, the available evidence is currently insufficient to determine the role of this variant in disease. Therefore, it has been classified as a Variant of Uncertain Significance.

NM_005045.4(RELN):c.233T>C (p.Ile78Thr)

Gene: RELN (reelin; minus strand). Cytogenetic location: 7q22.1.
Variant type: single nucleotide variant.
Coding change: c.233T>C on transcript NM_005045.4 (MANE Select); coding-DNA position 233, T replaced by C.
Protein change: p.Ile78Thr; replaces isoleucine 78 with threonine.
Molecular consequence: missense variant.
Genome position (GRCh38, 1-based): chr7:103,917,179, A>G on the plus strand (T>C on the coding strand, the complement: RELN is on the minus strand). VCF-style: chr7-103917179-A-G. GRCh37 (hg19) VCF-style: chr7-103557626-A-G.
Other names: c.233T>C, p.Ile78Thr (NM_173054.3); short protein forms I78T.
Identifiers: ClinVar variation 1999029 (VCV001999029.4), dbSNP rs1795501891, ClinGen allele CA368931183.
Genomic context (GRCh38, chr7:103,917,179, plus strand): 5'-ACACTTGTAGATGTGTATAGTCCTGTCACCAGCAAGCCGTCAAAAAAGGTGCTTGTTGAA[A>G]TTGTCACTGAAATGTAAGAAAGAAAAAAAAAACTCTCAATACAGTCAGAATAACACAATA-3'
Protein context (NP_005036.2, residues 68-88): YVPGQEYHVT[Ile78Thr]STSTFFDGLL